The following is an entry in ClinVar:

NM_001148.6(ANK2):c.2079+215C>T

Gene: ANK2 (ankyrin 2; plus strand). Cytogenetic location: 4q26.
Variant type: single nucleotide variant.
Coding change: c.2079+215C>T on transcript NM_001148.6 (MANE Select); 215 bases into the intron after coding-DNA position 2079, C replaced by T.
Molecular consequence: intron variant.
Genome position (GRCh38, 1-based): chr4:113,283,087, C>T. VCF-style: chr4-113283087-C-T. GRCh37 (hg19) VCF-style: chr4-114204243-C-T.
Other names: c.2067+215C>T (NM_001386186.2, NM_001386148.2); c.1869+215C>T (NM_001354269.3); c.2043+215C>T (NM_001386187.2); c.2037+215C>T (NM_001386147.1, NM_001386160.1, NM_001354261.2); c.2016+215C>T (NM_001354254.2, NM_001354239.2, NM_001354252.2 and 10 more transcripts); c.1917+215C>T (NM_001354253.2, NM_001354270.2, NM_001354257.2 and 1 more transcripts); c.1992+215C>T (NM_001354249.2, NM_001354266.2, NM_001354276.2 and 10 more transcripts); c.1893+215C>T (NM_001386151.1, NM_001354260.2, NM_001354271.2); and 8 more.
Identifiers: ClinVar variation 672181 (VCV000672181.1), dbSNP rs29369, ClinGen allele CA11657087.

ClinVar aggregate classification (germline): Likely benign (1 of 4 stars; one submission).

Allele frequency attached by ClinVar (database versions not stated): TOPMed 0.02727; gnomAD 0.02847; 1000 Genomes Project 0.02935; 1000 Genomes Project 30x 0.03014.
gnomAD v4.1: 4,344 of 152,266 alleles (2.9%); highest among the groups gnomAD compares: East Asian, 6.9%; 102 homozygotes.

Submission:

GeneDx
Classification: Likely benign. Last evaluated: 2018-06-14. Review status: criteria provided, single submitter. Criteria: GeneDx Variant Classification (06012015). Collection method: clinical testing. Allele origin: germline. Affected: yes.
Comment: This variant is considered likely benign or benign based on one or more of the following criteria: it is a conservative change, it occurs at a poorly conserved position in the protein, it is predicted to be benign by multiple in silico algorithms, and/or has population frequency not consistent with disease.